The following is an entry in ClinVar:

NM_001854.4(COL11A1):c.1052A>G (p.Gln351Arg)

Gene: COL11A1 (collagen type XI alpha 1 chain; minus strand). Cytogenetic location: 1p21.1.
Variant type: single nucleotide variant.
Coding change: c.1052A>G on transcript NM_001854.4 (MANE Select); coding-DNA position 1052, A replaced by G.
Protein change: p.Gln351Arg; replaces glutamine 351 with arginine.
Molecular consequence: missense variant. On other transcripts: non-coding transcript variant (1), intron variant (1).
Genome position (GRCh38, 1-based): chr1:103,022,935, T>C on the plus strand (A>G on the coding strand, the complement: COL11A1 is on the minus strand). VCF-style: chr1-103022935-T-C. GRCh37 (hg19) VCF-style: chr1-103488491-T-C.
Other names: c.935A>G, p.Gln312Arg (NM_001190709.2); c.1088A>G, p.Gln363Arg (NM_080629.3); c.898-1166A>G (NM_080630.4); short protein forms Q363R, Q351R, Q312R.
Identifiers: ClinVar variation 546605 (VCV000546605.53), dbSNP rs751155680, ClinGen allele CA975125.

ClinVar aggregate classification (germline): Conflicting classifications of pathogenicity. Review status: criteria provided, conflicting classifications (1 of 4 stars). 6 submissions from 6 submitters: Uncertain significance (5); Likely benign (1). Last evaluated 2025-10-02.

Conditions:
Inborn genetic diseases. Identifiers: MedGen C0950123, MeSH D030342.

Allele frequency attached by ClinVar (database versions not stated): gnomAD 0.00001; TOPMed 0.00001; gnomAD exomes 0.00002 and 0.00004; ExAC 0.00003.

Submissions (6):

Labcorp Genetics (formerly Invitae), Labcorp
Classification: Likely benign. Last evaluated: 2025-10-02. Review status: criteria provided, single submitter. Criteria: Invitae Variant Classification Sherloc (09022015). Collection method: clinical testing. Allele origin: germline.

Ambry Genetics
Classification: Uncertain significance for Inborn genetic diseases. Last evaluated: 2025-08-01. Review status: criteria provided, single submitter. Criteria: Ambry Variant Classification Scheme 2023. Collection method: clinical testing. Allele origin: germline.

Women's Health and Genetics/Laboratory Corporation of America, LabCorp
Classification: Uncertain significance. Last evaluated: 2025-07-24. Review status: criteria provided, single submitter. Criteria: LabCorp Variant Classification Summary - May 2015. Collection method: clinical testing. Allele origin: germline.
Comment: Variant summary: COL11A1 c.1052A>G (p.Gln351Arg) results in a conservative amino acid change in the encoded protein sequence. Algorithms developed to predict the effect of missense changes on protein structure and function are either unavailable or do not agree on the potential impact of this missense change. The variant allele was found at a frequency of 3.6e-05 in 250924 control chromosomes. The available data on variant occurrences in the general population are insufficient to allow any conclusion about variant significance. To our knowledge, no occurrence of c.1052A>G in individuals affected with Stickler Syndrome and no experimental evidence demonstrating its impact on protein function have been reported. ClinVar contains an entry for this variant (Variation ID: 546605). Based on the evidence outlined above, the variant was classified as uncertain significance.

Blueprint Genetics
Classification: Uncertain significance. Last evaluated: 2024-09-17. Review status: criteria provided, single submitter. Criteria: ACMG Guidelines, 2015. Collection method: clinical testing. Allele origin: germline.

GeneDx
Classification: Uncertain significance. Last evaluated: 2021-07-29. Review status: criteria provided, single submitter. Criteria: GeneDx Variant Classification Process June 2021. Collection method: clinical testing. Allele origin: germline. Affected: yes.
Comment: Has not been previously published as pathogenic or benign to our knowledge; In silico analysis, which includes protein predictors and evolutionary conservation, supports that this variant does not alter protein structure/function; Reported in ClinVar as a variant of uncertain significance (ClinVar Variant ID# 546605; Landrum et al., 2016); This variant is associated with the following publications: (PMID: 26582918)

CeGaT Center for Human Genetics Tuebingen
Classification: Uncertain significance. Last evaluated: 2017-11-01. Review status: criteria provided, single submitter. Criteria: CeGaT Center For Human Genetics Tuebingen Variant Classification Criteria Version 2. Collection method: clinical testing. Allele origin: germline. Affected: yes. Observed: 1 variant allele.